The following is an entry in ClinVar:

NM_001378120.1(MBD5):c.4317G>T (p.Glu1439Asp)

Gene: MBD5 (methyl-CpG binding domain protein 5; plus strand). Cytogenetic location: 2q23.1.
Variant type: single nucleotide variant.
Coding change: c.4317G>T on transcript NM_001378120.1 (MANE Select); coding-DNA position 4317, G replaced by T.
Protein change: p.Glu1439Asp; replaces glutamic acid 1439 with aspartic acid.
Molecular consequence: missense variant.
Genome position (GRCh38, 1-based): chr2:148,489,949, G>T. VCF-style: chr2-148489949-G-T. GRCh37 (hg19) VCF-style: chr2-149247518-G-T.
Other names: c.3618G>T, p.Glu1206Asp (NM_018328.5); short protein forms E1206D, E1439D.
Identifiers: ClinVar variation 2915593 (VCV002915593.3), dbSNP rs761678535, ClinGen allele CA1900411.
Genomic context (GRCh38, chr2:148,489,949, plus strand): 5'-GTCAGCAAGTTGCCACACATCCAAAAAACAGTGGGACGGGGAGCAAAGCCCCAGAGGGGA[G>T]CGAAACAGGTGGAAGTACGAGGAATTTTTAGATCATCCAGGCCATATCCACAGTAGTCCT-3'
Protein context (NP_001365049.1, residues 1429-1449): QWDGEQSPRG[Glu1439Asp]RNRWKYEEFL

ClinVar aggregate classification (germline): Uncertain significance (1 of 4 stars; one submission).

Conditions:
Intellectual developmental disorder, autosomal dominant 1. Also called: MBD5 Haploinsufficiency; Intellectual disability, autosomal dominant 1. Identifiers: Orphanet 228402, MedGen C1969562, MONDO:0007974, OMIM 156200.

Allele frequency attached by ClinVar (database versions not stated): gnomAD exomes 0.00001; ExAC 0.00003.
gnomAD v4.1: 11 of 1,613,996 alleles (0.00068%); highest among the groups gnomAD compares: South Asian, 0.011%; no homozygotes.

Submission:

Labcorp Genetics (formerly Invitae), Labcorp
Classification: Uncertain significance for Intellectual developmental disorder, autosomal dominant 1. Last evaluated: 2025-10-10. Review status: criteria provided, single submitter. Criteria: Invitae Variant Classification Sherloc (09022015). Collection method: clinical testing. Allele origin: germline.
Comment: This sequence change replaces glutamic acid, which is acidic and polar, with aspartic acid, which is acidic and polar, at codon 1206 of the MBD5 protein (p.Glu1206Asp). This variant is present in population databases (rs761678535, gnomAD 0.02%). This variant has not been reported in the literature in individuals affected with MBD5-related conditions. ClinVar contains an entry for this variant (Variation ID: 2915593). Experimental studies and prediction algorithms are not available or were not evaluated, and the functional significance of this variant is currently unknown. In summary, the available evidence is currently insufficient to determine the role of this variant in disease. Therefore, it has been classified as a Variant of Uncertain Significance.